The following is an entry in ClinVar:

NM_000168.6(GLI3):c.3208A>T (p.Thr1070Ser)

Gene: GLI3 (GLI family zinc finger 3; minus strand). Cytogenetic location: 7p14.1.
Variant type: single nucleotide variant.
Coding change: c.3208A>T on transcript NM_000168.6 (MANE Select); coding-DNA position 3208, A replaced by T.
Protein change: p.Thr1070Ser; replaces threonine 1070 with serine.
Molecular consequence: missense variant.
Genome position (GRCh38, 1-based): chr7:41,965,865, T>A on the plus strand (A>T on the coding strand, the complement: GLI3 is on the minus strand). VCF-style: chr7-41965865-T-A. GRCh37 (hg19) VCF-style: chr7-42005463-T-A.
Other names: short protein forms T1070S.
Identifiers: ClinVar variation 360230 (VCV000360230.45), dbSNP rs150907867, ClinGen allele CA4230419.

ClinVar aggregate classification (germline): Benign/Likely benign. Review status: criteria provided, multiple submitters, no conflicts (2 of 4 stars). 10 submissions from 8 submitters: Benign (5); Likely benign (4). 1 of the submissions does not count toward it. Last evaluated 2026-09-01.

Conditions:
Pallister-Hall syndrome (PHS). Also called: GLI3-Related Pallister-Hall Syndrome; HYPOTHALAMIC HAMARTOBLASTOMA, HYPOPITUITARISM, IMPERFORATE ANUS, AND POSTAXIAL POLYDACTYLY. Identifiers: Orphanet 672, MedGen C0265220, MONDO:0007804, OMIM 146510.
Greig cephalopolysyndactyly syndrome (GCPS). Also called: Greig syndrome; GLI3-Related Greig Cephalopolysyndactyly Syndrome; POLYSYNDACTYLY WITH PECULIAR SKULL SHAPE. Identifiers: Orphanet 380, MedGen C0265306, MONDO:0008287, OMIM 175700.
Polydactyly. Also called: polydactylism. Identifiers: MedGen C0152427, MONDO:0021003, OMIM 603596, HP:0010442.
GLI3-related disorder. Also called: GLI3-related condition; GLI3-related disorders. Identifiers: MedGen CN239292.

Allele frequency attached by ClinVar (database versions not stated): ExAC 0.00073; 1000 Genomes Project 0.00080; gnomAD exomes 0.00081 and 0.00132; 1000 Genomes Project 30x 0.00094; gnomAD 0.00104 and 0.00105; TOPMed 0.00110; ESP Exome Variant Server 0.00115.
gnomAD v4.1: 2,092 of 1,613,636 alleles (0.13%); highest among the groups gnomAD compares: Non-Finnish European, 0.16%; 4 homozygotes.

Submissions (10):

CeGaT Center for Human Genetics Tuebingen
Classification: Likely benign. Last evaluated: 2026-09-01. Review status: criteria provided, single submitter. Criteria: CeGaT Center For Human Genetics Tuebingen Variant Classification Criteria Version 2. Collection method: clinical testing. Allele origin: germline. Affected: yes. Observed: 2 variant alleles.
Comment: GLI3: BP4, BS1

Labcorp Genetics (formerly Invitae), Labcorp
Classification: Likely benign for Pallister-Hall syndrome; Greig cephalopolysyndactyly syndrome. Last evaluated: 2026-01-08. Review status: criteria provided, single submitter. Criteria: Invitae Variant Classification Sherloc (09022015). Collection method: clinical testing. Allele origin: germline.

Blueprint Genetics
Classification: Benign. Last evaluated: 2024-11-20. Review status: criteria provided, single submitter. Criteria: ACMG Guidelines, 2015. Collection method: clinical testing. Allele origin: germline.

Illumina Laboratory Services, Illumina
Classification: Benign for Greig cephalopolysyndactyly syndrome. Last evaluated: 2018-01-13. Review status: criteria provided, single submitter. Criteria: ICSL Variant Classification Criteria 13 December 2019. Collection method: clinical testing. Allele origin: germline.
Comment: This variant was observed in the ICSL laboratory as part of a predisposition screen in an ostensibly healthy population. It had not been previously curated by ICSL or reported in the Human Gene Mutation Database (HGMD: prior to June 1st, 2018), and was therefore a candidate for classification through an automated scoring system. Utilizing variant allele frequency, disease prevalence and penetrance estimates, and inheritance mode, an automated score was calculated to assess if this variant is too frequent to cause the disease. Based on the score and internal cut-off values, a variant classified as benign is not then subjected to further curation. The score for this variant resulted in a classification of benign for this disease.

Illumina Laboratory Services, Illumina
Classification: Benign for Pallister-Hall syndrome. Last evaluated: 2018-01-13. Review status: criteria provided, single submitter. Criteria: ICSL Variant Classification Criteria 13 December 2019. Collection method: clinical testing. Allele origin: germline.
Comment: the same text as in the submission from Illumina Laboratory Services, Illumina above.

Illumina Laboratory Services, Illumina
Classification: Benign for Polydactyly. Last evaluated: 2018-01-13. Review status: criteria provided, single submitter. Criteria: ICSL Variant Classification Criteria 13 December 2019. Collection method: clinical testing. Allele origin: germline.
Comment: the same text as in the submission from Illumina Laboratory Services, Illumina above.

ARUP Laboratories, Molecular Genetics and Genomics, ARUP Laboratories
Classification: Likely benign. Last evaluated: 2017-12-28. Review status: criteria provided, single submitter. Criteria: ARUP Molecular Germline Variant Investigation Process. Collection method: clinical testing. Allele origin: germline.
Comment: The GLI3 c.3208A>T; p.Thr1070Ser variant is not reported in the medical literature or in gene-specific databases. The variant is listed in the ClinVar database (Variation ID: 360230), in the dbSNP variant database (rs150907867), in the Exome Variant Server with an allele frequency of up to 0.1628 percent (14/8586 alleles) in the European American population, and in the Genome Aggregation Database with an allele frequency of 0.1526 percent (193/126494 alleles) in the European population. The threonine at this position is moderately conserved across species and computational algorithms (AlignGVGD, PolyPhen2, SIFT) predict this variant is tolerated. Considering available information, this variant is classified as likely benign.

GeneDx
Classification: Benign. Last evaluated: 2015-09-14. Review status: criteria provided, single submitter. Criteria: GeneDx Variant Classification (06012015). Collection method: clinical testing. Allele origin: germline. Affected: yes.
Comment: This variant is considered likely benign or benign based on one or more of the following criteria: it is a conservative change, it occurs at a poorly conserved position in the protein, it is predicted to be benign by multiple in silico algorithms, and/or has population frequency not consistent with disease.

Breakthrough Genomics
Classification: Likely benign. Review status: criteria provided, single submitter. Criteria: ACMG Guidelines, 2015. Collection method: not provided. Allele origin: germline. Inheritance: Autosomal dominant inheritance. Affected: yes.

PreventionGenetics, part of Exact Sciences
Classification: Likely benign for GLI3-related condition. Last evaluated: 2020-09-22. Review status: no assertion criteria provided. Collection method: clinical testing. Allele origin: germline. Not counted in ClinVar's aggregate classification.
Comment: This variant is classified as likely benign based on ACMG/AMP sequence variant interpretation guidelines (Richards et al. 2015 PMID: 25741868, with internal and published modifications).